The following is an entry in ClinVar:

ClinVar aggregate classification (germline): Uncertain significance (1 of 4 stars; one submission).

Conditions:
COG5-congenital disorder of glycosylation. Also called: CDG IIi; CONGENITAL DISORDER OF GLYCOSYLATION, TYPE IIi; COG5-CDG. Identifiers: Orphanet 263487, MedGen C3150876, MONDO:0013325, OMIM 613612.

Allele frequency attached by ClinVar (database versions not stated): gnomAD exomes below 0.00001.
gnomAD v4.1: 2 of 1,613,452 alleles (0.00012%); highest among the groups gnomAD compares: African/African-American, 0.0013%; no homozygotes.

Submission:

Labcorp Genetics (formerly Invitae), Labcorp
Classification: Uncertain significance for COG5-congenital disorder of glycosylation. Last evaluated: 2022-09-27. Review status: criteria provided, single submitter. Criteria: Invitae Variant Classification Sherloc (09022015). Collection method: clinical testing. Allele origin: germline.
Comment: This sequence change replaces threonine, which is neutral and polar, with isoleucine, which is neutral and non-polar, at codon 535 of the COG5 protein (p.Thr535Ile). This variant is not present in population databases (gnomAD no frequency). This variant has not been reported in the literature in individuals affected with COG5-related conditions. Algorithms developed to predict the effect of missense changes on protein structure and function are either unavailable or do not agree on the potential impact of this missense change (SIFT: "Deleterious"; PolyPhen-2: "Benign"; Align-GVGD: "Class C0"). In summary, the available evidence is currently insufficient to determine the role of this variant in disease. Therefore, it has been classified as a Variant of Uncertain Significance.

NM_006348.5(COG5):c.1511C>T (p.Thr504Ile)

Gene: COG5 (component of oligomeric golgi complex 5; minus strand). Cytogenetic location: 7q22.3.
Variant type: single nucleotide variant.
Coding change: c.1511C>T on transcript NM_006348.5 (MANE Select); coding-DNA position 1511, C replaced by T.
Protein change: p.Thr504Ile; replaces threonine 504 with isoleucine.
Molecular consequence: missense variant.
Genome position (GRCh38, 1-based): chr7:107,281,364, G>A on the plus strand (C>T on the coding strand, the complement: COG5 is on the minus strand). VCF-style: chr7-107281364-G-A. GRCh37 (hg19) VCF-style: chr7-106921809-G-A.
Other names: c.1511C>T, p.Thr504Ile (NM_001379514.1, NM_001161520.2, NM_001379512.1 and 2 more transcripts); c.941C>T, p.Thr314Ile (NM_001379515.1); c.1349C>T, p.Thr450Ile (NM_001379511.1); c.797C>T, p.Thr266Ile (NM_001379516.1); short protein forms T266I, T314I, T450I, T504I.
Identifiers: ClinVar variation 1720489 (VCV001720489.3), dbSNP rs2536089935, ClinGen allele CA368937930.